The following is an entry in ClinVar:

NM_053025.4(MYLK):c.143C>G (p.Ala48Gly)

Gene: MYLK (myosin light chain kinase; minus strand). Cytogenetic location: 3q21.1.
Variant type: single nucleotide variant.
Coding change: c.143C>G on transcript NM_053025.4 (MANE Select); coding-DNA position 143, C replaced by G.
Protein change: p.Ala48Gly; replaces alanine 48 with glycine.
Molecular consequence: missense variant. On other transcripts: 5 prime UTR variant (1).
Genome position (GRCh38, 1-based): chr3:123,793,699, G>C on the plus strand (C>G on the coding strand, the complement: MYLK is on the minus strand). VCF-style: chr3-123793699-G-C. GRCh37 (hg19) VCF-style: chr3-123512546-G-C.
Other names: c.-178C>G (NM_001321309.2); c.143C>G, p.Ala48Gly (NM_053026.4, NM_053027.4, NM_053028.4); short protein forms A48G.
Identifiers: ClinVar variation 409710 (VCV000409710.8), dbSNP rs1060502537, ClinGen allele CA16611342.

ClinVar aggregate classification (germline): Uncertain significance (1 of 4 stars; one submission).

Conditions:
Aortic aneurysm, familial thoracic 7 (AAT7). Also called: AORTIC DISSECTION, FAMILIAL, WITH OR WITHOUT AORTIC ANEURYSM. Identifiers: MedGen C3151077, MONDO:0013418, OMIM 613780.

Submission:

Labcorp Genetics (formerly Invitae), Labcorp
Classification: Uncertain significance for Aortic aneurysm, familial thoracic 7. Last evaluated: 2025-12-15. Review status: criteria provided, single submitter. Criteria: Invitae Variant Classification Sherloc (09022015). Collection method: clinical testing. Allele origin: germline.
Comment: This sequence change replaces alanine, which is neutral and non-polar, with glycine, which is neutral and non-polar, at codon 48 of the MYLK protein (p.Ala48Gly). This variant is not present in population databases (gnomAD no frequency). This variant has not been reported in the literature in individuals affected with MYLK-related conditions. ClinVar contains an entry for this variant (Variation ID: 409710). Invitae Evidence Modeling of protein sequence and biophysical properties (such as structural, functional, and spatial information, amino acid conservation, physicochemical variation, residue mobility, and thermodynamic stability) indicates that this missense variant is not expected to disrupt MYLK protein function with a negative predictive value of 95%. In summary, the available evidence is currently insufficient to determine the role of this variant in disease. Therefore, it has been classified as a Variant of Uncertain Significance.